The following is an entry in ClinVar:

NM_004387.4(NKX2-5):c.335-20G>A

Gene: NKX2-5 (NK2 homeobox 5; minus strand). Cytogenetic location: 5q35.1.
Variant type: single nucleotide variant.
Coding change: c.335-20G>A on transcript NM_004387.4 (MANE Select); 20 bases into the intron before coding-DNA position 335, G replaced by A.
Molecular consequence: intron variant. On other transcripts: 3 prime UTR variant (2).
Genome position (GRCh38, 1-based): chr5:173,233,229, C>T on the plus strand (G>A on the coding strand, the complement: NKX2-5 is on the minus strand). VCF-style: chr5-173233229-C-T. GRCh37 (hg19) VCF-style: chr5-172660232-C-T.
Other names: c.*268G>A (NM_001166175.2); c.*114G>A (NM_001166176.2).
Identifiers: ClinVar variation 219167 (VCV000219167.2), dbSNP rs864321647, ClinGen allele CA279939.

ClinVar aggregate classification (germline): Uncertain significance (0 of 4 stars; one submission).

Conditions:
Congenital heart disease (CHD). Identifiers: MedGen C0152021, MONDO:0005453. Disease mechanism: unknown.

Submission:

Cytogenetics- Mohapatra Lab, Banaras Hindu University
Classification: Uncertain significance for Congenital heart disease. Last evaluated: 2012-11-02. Review status: no assertion criteria provided. Collection method: case-control. Allele origin: unknown. Affected: yes. Observed: 1 variant allele.
Comment: Atrial septal defect with ventricular septal defect